The following is an entry in ClinVar:

ClinVar aggregate classification (germline): Uncertain significance (1 of 4 stars; one submission).

Conditions:
Hereditary spastic paraplegia 11. Also called: Nakamura Osame syndrome; Autosomal recessive hereditary spastic paraplegia, mental impairment, and thin corpus callosum; Spastic paraplegia, mental retardation and thin corpus callosum; SPASTIC PARAPLEGIA, AUTOSOMAL RECESSIVE, COMPLICATED, WITH THIN CORPUS CALLOSUM; SPASTIC PARAPLEGIA, AUTOSOMAL RECESSIVE, WITH MENTAL IMPAIRMENT AND THIN CORPUS CALLOSUM; Spastic Paraplegia 11. Identifiers: Orphanet 2822, MedGen C1858479, MONDO:0011445, OMIM 604360.

Submission:

Labcorp Genetics (formerly Invitae), Labcorp
Classification: Uncertain significance for Hereditary spastic paraplegia 11. Last evaluated: 2022-08-21. Review status: criteria provided, single submitter. Criteria: Invitae Variant Classification Sherloc (09022015). Collection method: clinical testing. Allele origin: germline.
Comment: In summary, the available evidence is currently insufficient to determine the role of this variant in disease. Therefore, it has been classified as a Variant of Uncertain Significance. Algorithms developed to predict the effect of missense changes on protein structure and function (SIFT, PolyPhen-2, Align-GVGD) all suggest that this variant is likely to be disruptive. This variant has not been reported in the literature in individuals affected with SPG11-related conditions. This variant is not present in population databases (gnomAD no frequency). This sequence change replaces tyrosine, which is neutral and polar, with cysteine, which is neutral and slightly polar, at codon 2156 of the SPG11 protein (p.Tyr2156Cys).

NM_025137.4(SPG11):c.6467A>G (p.Tyr2156Cys)

Gene: SPG11 (SPG11 vesicle trafficking associated, spatacsin; minus strand). Cytogenetic location: 15q21.1.
Variant type: single nucleotide variant.
Coding change: c.6467A>G on transcript NM_025137.4 (MANE Select); coding-DNA position 6467, A replaced by G.
Protein change: p.Tyr2156Cys; replaces tyrosine 2156 with cysteine.
Molecular consequence: missense variant.
Genome position (GRCh38, 1-based): chr15:44,570,535, T>C on the plus strand (A>G on the coding strand, the complement: SPG11 is on the minus strand). VCF-style: chr15-44570535-T-C. GRCh37 (hg19) VCF-style: chr15-44862733-T-C.
Other names: c.6128A>G, p.Tyr2043Cys (NM_001160227.2); c.6323A>G, p.Tyr2108Cys (NM_001411132.1); short protein forms Y2043C, Y2108C, Y2156C.
Identifiers: ClinVar variation 1717261 (VCV001717261.5), dbSNP rs2505205117, ClinGen allele CA392216250.